The following is an entry in ClinVar:

ClinVar aggregate classification (germline): Conflicting classifications of pathogenicity. Review status: criteria provided, conflicting classifications (1 of 4 stars). 4 submissions from 4 submitters: Likely pathogenic (3); Uncertain significance (1). Last evaluated 2026-08-14.

Conditions:
Neurodegeneration, childhood-onset, stress-induced, with variable ataxia and seizures. Identifiers: Orphanet 694922, MedGen C4748527, MONDO:0100095, OMIM 618170.
Inborn genetic diseases. Identifiers: MedGen C0950123, MeSH D030342.

Submissions (4):

Clinical Genetics Laboratory, Skane University Hospital Lund
Classification: Likely pathogenic for Neurodegeneration, childhood-onset, stress-induced, with variable ataxia and seizures. Last evaluated: 2026-08-14. Review status: criteria provided, single submitter. Criteria: ACMG Guidelines, 2015. Collection method: clinical testing. Allele origin: germline. Inheritance: Autosomal recessive inheritance. Affected: yes.
Comment: ACMG-criteria used: PM2, PM3 and PM4.

Ambry Genetics
Classification: Uncertain significance for Inborn genetic diseases. Last evaluated: 2026-03-05. Review status: criteria provided, single submitter. Criteria: Ambry Variant Classification Scheme 2023. Collection method: clinical testing. Allele origin: germline.
Comment: The c.744_746delGAT (p.K248_I249delinsN) alteration is located in exon 5 (coding exon 5) of the ADPRHL2 gene. This alteration consists of an in-frame deletion of 3 nucleotides between nucleotide positions c.744 and c.746, resulting in the deletion of 1 residue. This variant was not reported in population-based cohorts in the Genome Aggregation Database (gnomAD). This variant has been identified in the homozygous state and/or in conjunction with other ADPRHL2 variant(s) in individual(s) with features consistent with ADPRS-related neurodegenerative disorder (Danhauser, 2018). These amino acid positions is well conserved in available vertebrate species. This variant is predicted to be deleterious by in silico analysis (Choi, 2012). Based on insufficient or conflicting evidence, the clinical significance of this alteration remains unclear.

GeneDx
Classification: Likely pathogenic. Last evaluated: 2024-08-12. Review status: criteria provided, single submitter. Criteria: GeneDx Variant Classification Process June 2021. Collection method: clinical testing. Allele origin: germline. Affected: yes.
Comment: In-frame deletion of two amino acids and insertion of one amino acid in a non-repeat region; Not observed at significant frequency in large population cohorts (gnomAD); In silico analysis indicates that this variant does not alter protein structure/function; This variant is associated with the following publications: (PMID: 30401461)

Institute of Human Genetics Munich, TUM University Hospital
Classification: Likely pathogenic for Neurodegeneration, childhood-onset, stress-induced, with variable ataxia and seizures. Last evaluated: 2019-02-21. Review status: criteria provided, single submitter. Criteria: Classification criteria August 2017. Collection method: clinical testing. Allele origin: inherited. Inheritance: Autosomal recessive inheritance. Affected: yes. Observed: 1 homozygote.

Literature cited by the submitters: PubMed 30401461 (cited by Ambry Genetics and Institute of Human Genetics Munich, TUM University Hospital).

NM_017825.3(ADPRS):c.744_746del (p.Lys248_Ile249delinsAsn)

Gene: ADPRS (ADP-ribosylserine hydrolase; plus strand). Cytogenetic location: 1p34.3.
Variant type: Deletion.
Coding change: c.744_746del on transcript NM_017825.3 (MANE Select); coding-DNA positions 744 to 746, 3 bases deleted (GAT; older notation c.744_746delGAT).
Protein change: p.Lys248_Ile249delinsAsn.
Molecular consequence: inframe indel.
Genome position (GRCh38, 1-based): chr1:36,092,464-36,092,466, GAT deleted. VCF-style (leftmost placement, unchanged base first): chr1-36092463-AGAT-A. GRCh37 (hg19) VCF-style: chr1-36558064-AGAT-A.
Other names: c.744_746delGAT (NM_017825.2); c.744_746del (NM_017825.2).
Identifiers: ClinVar variation 807535 (VCV000807535.8), dbSNP rs1570013257, ClinGen allele CA891862636.